The following is an entry in ClinVar:

ClinVar aggregate classification (germline): Benign/Likely benign. Review status: criteria provided, multiple submitters, no conflicts (2 of 4 stars). 3 submissions from 3 submitters: Benign (1); Likely benign (2). Last evaluated 2026-04-01.

Conditions:
X-linked myopathy with excessive autophagy (AVM). Also called: Vacuolar myopathy; Autophagic vacuolar myopathy. Identifiers: Orphanet 25980, MedGen C1839615, MONDO:0010684, OMIM 310440.

Allele frequency attached by ClinVar (database versions not stated): gnomAD exomes 0.00006 and 0.00013; ExAC 0.00007; gnomAD 0.00009 and 0.00010; TOPMed 0.00011; ESP Exome Variant Server 0.00019.
gnomAD v4.1: 148 of 1,209,500 alleles (0.012%); highest among the groups gnomAD compares: Non-Finnish European, 0.016%; no homozygotes.

Submissions (3):

CeGaT Center for Human Genetics Tuebingen
Classification: Likely benign. Last evaluated: 2026-04-01. Review status: criteria provided, single submitter. Criteria: CeGaT Center For Human Genetics Tuebingen Variant Classification Criteria Version 2. Collection method: clinical testing. Allele origin: germline. Affected: yes. Observed: 1 variant allele.
Comment: VMA21: BP4, BP7, BS2

Labcorp Genetics (formerly Invitae), Labcorp
Classification: Benign for X-linked myopathy with excessive autophagy. Last evaluated: 2025-12-09. Review status: criteria provided, single submitter. Criteria: Invitae Variant Classification Sherloc (09022015). Collection method: clinical testing. Allele origin: germline.

Blueprint Genetics
Classification: Likely benign. Last evaluated: 2022-01-12. Review status: criteria provided, single submitter. Criteria: ACMG Guidelines, 2015. Collection method: clinical testing. Allele origin: germline.

NM_001017980.4(VMA21):c.255T>C (p.Tyr85=)

Gene: VMA21 (vacuolar ATPase assembly factor VMA21; plus strand). Cytogenetic location: Xq28.
Variant type: single nucleotide variant.
Coding change: c.255T>C on transcript NM_001017980.4 (MANE Select); coding-DNA position 255, T replaced by C.
Protein change: p.Tyr85=; no amino-acid change (tyrosine 85 retained).
Molecular consequence: synonymous variant.
Genome position (GRCh38, 1-based): chrX:151,405,007, T>C. VCF-style: chrX-151405007-T-C. GRCh37 (hg19) VCF-style: chrX-150573479-T-C.
Other names: c.420T>C, p.Tyr140= (NM_001363810.1).
Identifiers: ClinVar variation 1164718 (VCV001164718.16), dbSNP rs201565563, ClinGen allele CA10540593.